The following is an entry in ClinVar:

ClinVar aggregate classification (germline): Uncertain significance. Review status: criteria provided, multiple submitters, no conflicts (2 of 4 stars). 3 submissions from 3 submitters: Uncertain significance (2). 1 of the submissions does not count toward it. Last evaluated 2022-08-16.

Conditions:
Rheumatoid arthritis (RA). Also called: RHEUMATOID ARTHRITIS, SUSCEPTIBILITY TO. Identifiers: MedGen C0003873, MONDO:0008383, OMIM 180300, HP:0001370.
MHC class II deficiency 1 (MHC2D1). Also called: Bare lymphocyte syndrome type 2, complementation group A; BARE LYMPHOCYTE SYNDROME, TYPE II, COMPLEMENTATION GROUP A; SCID, HLA CLASS II-NEGATIVE. Identifiers: MedGen C1859534, MONDO:0971005, OMIM 209920.
MHC class II deficiency. Also called: BLS, TYPE II; Bare lymphocyte syndrome 2. Identifiers: Orphanet 572, MedGen C5447452, MONDO:0008855.

Allele frequency attached by ClinVar (database versions not stated): gnomAD 0.00003; gnomAD exomes 0.00003 and 0.00006; TOPMed 0.00005; ExAC 0.00006.
gnomAD v4.1: 25 of 1,614,042 alleles (0.0015%); highest among the groups gnomAD compares: Admixed American, 0.038%; no homozygotes.

Submissions (3):

Labcorp Genetics (formerly Invitae), Labcorp
Classification: Uncertain significance for MHC class II deficiency. Last evaluated: 2022-08-16. Review status: criteria provided, single submitter. Criteria: Invitae Variant Classification Sherloc (09022015). Collection method: clinical testing. Allele origin: germline.
Comment: This sequence change replaces serine, which is neutral and polar, with threonine, which is neutral and polar, at codon 1073 of the CIITA protein (p.Ser1073Thr). This variant is present in population databases (rs761139192, gnomAD 0.04%). This variant has not been reported in the literature in individuals affected with CIITA-related conditions. ClinVar contains an entry for this variant (Variation ID: 571174). Algorithms developed to predict the effect of missense changes on protein structure and function are either unavailable or do not agree on the potential impact of this missense change (SIFT: "Deleterious"; PolyPhen-2: "Benign"; Align-GVGD: "Class C0"). In summary, the available evidence is currently insufficient to determine the role of this variant in disease. Therefore, it has been classified as a Variant of Uncertain Significance.

Center for Genomics, Ann and Robert H. Lurie Children's Hospital of Chicago
Classification: Uncertain significance for Rheumatoid arthritis; MHC class II deficiency 1. Review status: criteria provided, single submitter. Criteria: ACMG Guidelines, 2015. Collection method: clinical testing. Allele origin: germline.
Comment: This variant has not been reported in the literature but is present in 0.02% (4/15288) of Latino alleles in the Genome Aggregation Database. This variant is present in ClinVar (Variation ID:571174). Evolutionary conservation and computational predictive tools suggest that this variant may not impact the protein. In summary, data on this variant is insufficient for disease classification. Therefore, the clinical significance of this variant is uncertain.

Natera, Inc.
Classification: Uncertain significance for Bare lymphocyte syndrome type II. Last evaluated: 2019-10-28. Review status: no assertion criteria provided. Collection method: clinical testing. Allele origin: germline. Not counted in ClinVar's aggregate classification.

NM_000246.4(CIITA):c.3217T>A (p.Ser1073Thr)

Gene: CIITA (class II major histocompatibility complex transactivator; plus strand). Cytogenetic location: 16p13.13.
Variant type: single nucleotide variant.
Coding change: c.3217T>A on transcript NM_000246.4 (MANE Select); coding-DNA position 3217, T replaced by A.
Protein change: p.Ser1073Thr; replaces serine 1073 with threonine.
Molecular consequence: missense variant. On other transcripts: non-coding transcript variant (1).
Genome position (GRCh38, 1-based): chr16:10,922,234, T>A. VCF-style: chr16-10922234-T-A. GRCh37 (hg19) VCF-style: chr16-11016091-T-A.
Other names: c.3220T>A, p.Ser1074Thr (NM_001286402.1, NM_001379332.1); c.1465T>A, p.Ser489Thr (NM_001286403.2); c.3073T>A, p.Ser1025Thr (NM_001379330.1); c.3070T>A, p.Ser1024Thr (NM_001379331.1); c.3217T>A, p.Ser1073Thr (NM_001379333.1); c.3148T>A, p.Ser1050Thr (NM_001379334.1); short protein forms S1073T, S1074T, S489T, S1025T, S1050T, S1024T.
Identifiers: ClinVar variation 571174 (VCV000571174.8), dbSNP rs761139192, ClinGen allele CA7900727.